The following is an entry in ClinVar:

ClinVar aggregate classification (germline): Uncertain significance (1 of 4 stars; one submission).

Conditions:
Inborn genetic diseases. Identifiers: MedGen C0950123, MeSH D030342.

Submission:

Ambry Genetics
Classification: Uncertain significance for Inborn genetic diseases. Last evaluated: 2026-05-01. Review status: criteria provided, single submitter. Criteria: Ambry Variant Classification Scheme 2023. Collection method: clinical testing. Allele origin: germline.
Comment: The p.G117E variant (also known as c.350G>A), located in coding exon 4 of the FANCG gene, results from a G to A substitution at nucleotide position 350. The glycine at codon 117 is replaced by glutamic acid, an amino acid with similar properties. This amino acid position is conserved. In addition, this alteration is predicted to be tolerated by in silico analysis. Based on the available evidence, the clinical significance of this variant remains unclear.

NM_004629.2(FANCG):c.350G>A (p.Gly117Glu)

Gene: FANCG (FA complementation group G; minus strand). Cytogenetic location: 9p13.3.
Variant type: single nucleotide variant.
Coding change: c.350G>A on transcript NM_004629.2 (MANE Select); coding-DNA position 350, G replaced by A.
Protein change: p.Gly117Glu; replaces glycine 117 with glutamic acid.
Molecular consequence: missense variant.
Genome position (GRCh38, 1-based): chr9:35,078,301, C>T on the plus strand (G>A on the coding strand, the complement: FANCG is on the minus strand). VCF-style: chr9-35078301-C-T. GRCh37 (hg19) VCF-style: chr9-35078298-C-T.
Other names: short protein forms G117E.
Identifiers: ClinVar variation 4870996 (VCV004870996.1).